The following is an entry in ClinVar:

NM_032043.3(BRIP1):c.722C>T (p.Ser241Phe)

Gene: BRIP1 (BRCA1 interacting DNA helicase 1; minus strand). Cytogenetic location: 17q23.2.
Variant type: single nucleotide variant.
Coding change: c.722C>T on transcript NM_032043.3 (MANE Select); coding-DNA position 722, C replaced by T.
Protein change: p.Ser241Phe; replaces serine 241 with phenylalanine.
Molecular consequence: missense variant.
Genome position (GRCh38, 1-based): chr17:61,808,663, G>A on the plus strand (C>T on the coding strand, the complement: BRIP1 is on the minus strand). VCF-style: chr17-61808663-G-A. GRCh37 (hg19) VCF-style: chr17-59886024-G-A.
Other names: short protein forms S241F.
Identifiers: ClinVar variation 4216275 (VCV004216275.1).

ClinVar aggregate classification (germline): Uncertain significance (1 of 4 stars; one submission).

Conditions:
Hereditary cancer-predisposing syndrome. Also called: Hereditary Cancer Syndrome; Hereditary neoplastic syndrome; Neoplastic Syndromes, Hereditary; Tumor predisposition. Identifiers: Orphanet 140162, MedGen C0027672, MeSH D009386, MONDO:0015356.

Submission:

Ambry Genetics
Classification: Uncertain significance for Hereditary cancer-predisposing syndrome. Last evaluated: 2025-08-20. Review status: criteria provided, single submitter. Criteria: Ambry Variant Classification Scheme 2023. Collection method: clinical testing. Allele origin: germline.
Comment: The p.S241F variant (also known as c.722C>T), located in coding exon 6 of the BRIP1 gene, results from a C to T substitution at nucleotide position 722. The serine at codon 241 is replaced by phenylalanine, an amino acid with highly dissimilar properties. This amino acid position is conserved. In addition, this alteration is predicted to be tolerated by in silico analysis. Based on the available evidence, the clinical significance of this variant remains unclear.